The following is an entry in ClinVar:

NM_021625.5(TRPV4):c.1153-149A>G

Gene: TRPV4 (transient receptor potential cation channel subfamily V member 4; minus strand). Cytogenetic location: 12q24.11.
Variant type: single nucleotide variant.
Coding change: c.1153-149A>G on transcript NM_021625.5 (MANE Select); 149 bases into the intron before coding-DNA position 1153, A replaced by G.
Molecular consequence: intron variant.
Genome position (GRCh38, 1-based): chr12:109,796,853, T>C on the plus strand (A>G on the coding strand, the complement: TRPV4 is on the minus strand). VCF-style: chr12-109796853-T-C. GRCh37 (hg19) VCF-style: chr12-110234658-T-C.
Other names: c.1011+1761A>G (NM_001177433.1); c.1012-149A>G (NM_001177428.1); c.1152+1761A>G (NM_147204.2); c.1051-149A>G (NM_001177431.1).
Identifiers: ClinVar variation 670253 (VCV000670253.1), dbSNP rs3742035, ClinGen allele CA13675249.

ClinVar aggregate classification (germline): Benign (1 of 4 stars; one submission).

Allele frequency attached by ClinVar (database versions not stated): TOPMed 0.25199; gnomAD 0.26047 and 0.25411; 1000 Genomes Project 30x 0.29060; 1000 Genomes Project 0.30252; gnomAD exomes 0.29754.
gnomAD v4.1: 236,000 of 811,798 alleles (29%); highest among the groups gnomAD compares: East Asian, 69%; 39,418 homozygotes.

Submission:

GeneDx
Classification: Benign. Last evaluated: 2018-06-18. Review status: criteria provided, single submitter. Criteria: GeneDx Variant Classification (06012015). Collection method: clinical testing. Allele origin: germline. Affected: yes.
Comment: This variant is considered likely benign or benign based on one or more of the following criteria: it is a conservative change, it occurs at a poorly conserved position in the protein, it is predicted to be benign by multiple in silico algorithms, and/or has population frequency not consistent with disease.